The following is an entry in ClinVar:

ClinVar aggregate classification (germline): Pathogenic/Likely pathogenic. Review status: criteria provided, multiple submitters, no conflicts (2 of 4 stars). 2 submissions from 2 submitters: Pathogenic (1); Likely pathogenic (1). Last evaluated 2024-03-23.

Conditions:
Bardet-Biedl syndrome 12 (BBS12). Identifiers: Orphanet 110, MedGen C1859570, MONDO:0014440, OMIM 615989.
Bardet-Biedl syndrome (BBS). Identifiers: Orphanet 110, MedGen C0752166, MONDO:0015229.

Submissions (2):

Baylor Genetics
Classification: Likely pathogenic for Bardet-Biedl syndrome 12. Last evaluated: 2024-03-23. Review status: criteria provided, single submitter. Criteria: ACMG Guidelines, 2015. Collection method: clinical testing. Allele origin: unknown.

Labcorp Genetics (formerly Invitae), Labcorp
Classification: Pathogenic for Bardet-Biedl syndrome. Last evaluated: 2023-05-02. Review status: criteria provided, single submitter. Criteria: Invitae Variant Classification Sherloc (09022015). Collection method: clinical testing. Allele origin: germline.
Comment: For these reasons, this variant has been classified as Pathogenic. This variant disrupts a region of the BBS12 protein in which other variant(s) (p.Ser701*) have been determined to be pathogenic (PMID: 20648243). This suggests that this is a clinically significant region of the protein, and that variants that disrupt it are likely to be disease-causing. This variant has not been reported in the literature in individuals affected with BBS12-related conditions. This variant is not present in population databases (gnomAD no frequency). This sequence change creates a premature translational stop signal (p.Glu543Asnfs*16) in the BBS12 gene. While this is not anticipated to result in nonsense mediated decay, it is expected to disrupt the last 168 amino acid(s) of the BBS12 protein.

Literature cited by the submitters: PubMed 20648243 (cited by Labcorp Genetics (formerly Invitae), Labcorp).

NM_152618.3(BBS12):c.1626del (p.Glu543fs)

Gene: BBS12 (Bardet-Biedl syndrome 12; plus strand). Cytogenetic location: 4q27.
Variant type: Deletion.
Coding change: c.1626del on transcript NM_152618.3 (MANE Select); coding-DNA position 1626, one base deleted (T; older notation c.1626delT).
Protein change: p.Glu543fs; shifts the reading frame from glutamic acid 543.
Molecular consequence: frameshift variant.
Genome position (GRCh38, 1-based): chr4:122,743,518, T deleted; the last of 2 consecutive T bases (chr4:122,743,517-122,743,518); deleting either gives the same sequence. VCF-style (leftmost placement, unchanged base first): chr4-122743516-GT-G. GRCh37 (hg19) VCF-style: chr4-123664671-GT-G.
Other names: c.1626del, p.Glu543fs (NM_001178007.2); short protein forms E543fs.
Identifiers: ClinVar variation 2861657 (VCV002861657.4), dbSNP rs2485077539, ClinGen allele CA2671993433.
Genomic context (GRCh38, chr4:122,743,516, plus strand): 5'-TGTGCCTATCGTTTGTATTATGCTCTAAAAGAGGAAAAGGTCTTCCTTGGAGGTGGTGCA[GT>G]TGAATTTTTGTGTCTTAGCTGTCTTCATATTCTTGCAGAGCAATCTCTGAAAAAAGAAAA-3'